The following is an entry in ClinVar:

ClinVar aggregate classification (germline): Likely benign (1 of 4 stars; one submission).

Conditions:
MTM1-related disorder. Also called: MTM1-related condition.

Submission:

PreventionGenetics, part of Exact Sciences
Classification: Likely benign for MTM1-related condition. Last evaluated: 2024-10-03. Review status: criteria provided, single submitter. Criteria: ACMG Guidelines, 2015. Collection method: clinical testing. Allele origin: germline.
Comment: This variant is classified as likely benign based on ACMG/AMP sequence variant interpretation guidelines (Richards et al. 2015 PMID: 25741868, with internal and published modifications).

NM_000252.3(MTM1):c.137-10A>C

Gene: MTM1 (myotubularin 1; plus strand). Cytogenetic location: Xq28.
Variant type: single nucleotide variant.
Coding change: c.137-10A>C on transcript NM_000252.3 (MANE Select); 10 bases into the intron before coding-DNA position 137, A replaced by C.
Molecular consequence: intron variant.
Genome position (GRCh38, 1-based): chrX:150,598,582, A>C. VCF-style: chrX-150598582-A-C. GRCh37 (hg19) VCF-style: chrX-149767046-A-C.
Other names: c.137-10A>C (NM_001376908.1, NM_001376906.1, NM_001376907.1).
Identifiers: ClinVar variation 4997614 (VCV004997614.1).
Genomic context (GRCh38, chrX:150,598,582, plus strand): 5'-ATTAGTGCCATTTGTTGTGTATCTTGGTATCTATTTCCATTATTTTAGGGTACTTTTTTT[A>C]TCTTAATAGACAAAGAAGTTATTTACATATGTCCTTTCAATGGCCCCATTAAGGGAAGAG-3'